The following is an entry in ClinVar:

ClinVar aggregate classification (germline): Uncertain significance. Review status: criteria provided, multiple submitters, no conflicts (2 of 4 stars). 2 submissions from 2 submitters: Uncertain significance (2). Last evaluated 2025-08-23.

Allele frequency attached by ClinVar (database versions not stated): gnomAD 0.00001; gnomAD exomes 0.00001; TOPMed 0.00001; ExAC 0.00004.
gnomAD v4.1: 8 of 1,611,844 alleles (0.0005%); highest among the groups gnomAD compares: Admixed American, 0.012%; no homozygotes.

Submissions (2):

Ambry Genetics
Classification: Uncertain significance. Last evaluated: 2025-08-23. Review status: criteria provided, single submitter. Criteria: Ambry Variant Classification Scheme 2023. Collection method: clinical testing. Allele origin: germline.

Labcorp Genetics (formerly Invitae), Labcorp
Classification: Uncertain significance. Last evaluated: 2024-05-15. Review status: criteria provided, single submitter. Criteria: Invitae Variant Classification Sherloc (09022015). Collection method: clinical testing. Allele origin: germline.
Comment: This sequence change replaces alanine, which is neutral and non-polar, with aspartic acid, which is acidic and polar, at codon 144 of the ZIC4 protein (p.Ala144Asp). This variant is present in population databases (rs773811220, gnomAD 0.02%). This variant has not been reported in the literature in individuals affected with ZIC4-related conditions. An algorithm developed to predict the effect of missense changes on protein structure and function (PolyPhen-2) suggests that this variant is likely to be disruptive. In summary, the available evidence is currently insufficient to determine the role of this variant in disease. Therefore, it has been classified as a Variant of Uncertain Significance.

NM_032153.6(ZIC4):c.281C>A (p.Ala94Asp)

Gene: ZIC4 (Zic family zinc finger 4; minus strand). Cytogenetic location: 3q24.
Variant type: single nucleotide variant.
Coding change: c.281C>A on transcript NM_032153.6 (MANE Select); coding-DNA position 281, C replaced by A.
Protein change: p.Ala94Asp; replaces alanine 94 with aspartic acid.
Molecular consequence: missense variant. On other transcripts: intron variant (1).
Genome position (GRCh38, 1-based): chr3:147,396,259, G>T on the plus strand (C>A on the coding strand, the complement: ZIC4 is on the minus strand). VCF-style: chr3-147396259-G-T. GRCh37 (hg19) VCF-style: chr3-147114046-G-T.
Other names: c.431C>A, p.Ala144Asp (NM_001168378.1); c.395C>A, p.Ala132Asp (NM_001168379.2); c.71-5013C>A (NM_001243256.2); short protein forms A94D, A144D, A132D.
Identifiers: ClinVar variation 2905353 (VCV002905353.4), dbSNP rs773811220, ClinGen allele CA2656844.